The following is an entry in ClinVar:

NM_020297.4(ABCC9):c.2196C>T (p.Ser732=)

Gene: ABCC9 (ATP binding cassette subfamily C member 9; minus strand). Cytogenetic location: 12p12.1.
Variant type: single nucleotide variant.
Coding change: c.2196C>T on transcript NM_020297.4 (MANE Select); coding-DNA position 2196, C replaced by T.
Protein change: p.Ser732=; no amino-acid change (serine 732 retained).
Molecular consequence: synonymous variant.
Genome position (GRCh38, 1-based): chr12:21,872,627, G>A on the plus strand (C>T on the coding strand, the complement: ABCC9 is on the minus strand). VCF-style: chr12-21872627-G-A. GRCh37 (hg19) VCF-style: chr12-22025561-G-A.
Other names: c.2196C>T, p.Ser732= (NM_001377273.1, NM_005691.4); c.1332C>T, p.Ser444= (NM_001377274.1).
Identifiers: ClinVar variation 3390250 (VCV003390250.14).

ClinVar aggregate classification (germline): Uncertain significance (1 of 4 stars; one submission).

Submission:

CeGaT Center for Human Genetics Tuebingen
Classification: Uncertain significance. Last evaluated: 2024-11-01. Review status: criteria provided, single submitter. Criteria: CeGaT Center For Human Genetics Tuebingen Variant Classification Criteria Version 2. Collection method: clinical testing. Allele origin: germline. Affected: yes. Observed: 1 variant allele.
Comment: ABCC9: PM2, PM3, PP3